The following is an entry in ClinVar:

NM_000094.4(COL7A1):c.8686G>T (p.Ala2896Ser)

Gene: COL7A1 (collagen type VII alpha 1 chain; minus strand). Cytogenetic location: 3p21.31.
Variant type: single nucleotide variant.
Coding change: c.8686G>T on transcript NM_000094.4 (MANE Select); coding-DNA position 8686, G replaced by T.
Protein change: p.Ala2896Ser; replaces alanine 2896 with serine.
Molecular consequence: missense variant.
Genome position (GRCh38, 1-based): chr3:48,564,915, C>A on the plus strand (G>T on the coding strand, the complement: COL7A1 is on the minus strand). VCF-style: chr3-48564915-C-A. GRCh37 (hg19) VCF-style: chr3-48602348-C-A.
Other names: short protein forms A2896S.
Identifiers: ClinVar variation 4801652 (VCV004801652.1).

ClinVar aggregate classification (germline): Uncertain significance (1 of 4 stars; one submission).

Submission:

Labcorp Genetics (formerly Invitae), Labcorp
Classification: Uncertain significance. Last evaluated: 2025-09-14. Review status: criteria provided, single submitter. Criteria: Invitae Variant Classification Sherloc (09022015). Collection method: clinical testing. Allele origin: germline.
Comment: This sequence change replaces alanine, which is neutral and non-polar, with serine, which is neutral and polar, at codon 2896 of the COL7A1 protein (p.Ala2896Ser). This variant is not present in population databases (gnomAD no frequency). This variant has not been reported in the literature in individuals affected with COL7A1-related conditions. Invitae Evidence Modeling of protein sequence and biophysical properties (such as structural, functional, and spatial information, amino acid conservation, physicochemical variation, residue mobility, and thermodynamic stability) indicates that this missense variant is not expected to disrupt COL7A1 protein function with a negative predictive value of 95%. In summary, the available evidence is currently insufficient to determine the role of this variant in disease. Therefore, it has been classified as a Variant of Uncertain Significance.